The following is an entry in ClinVar:

NM_001267550.2(TTN):c.68555A>T (p.Asn22852Ile)

Genes: TTN (titin; minus strand), TTN-AS1 (TTN antisense RNA 1; plus strand). Cytogenetic location: 2q31.2.
Variant type: single nucleotide variant.
Coding change: c.68555A>T on transcript NM_001267550.2 (MANE Select); coding-DNA position 68555, A replaced by T.
Protein change: p.Asn22852Ile; replaces asparagine 22852 with isoleucine.
Molecular consequence: missense variant.
Genome position (GRCh38, 1-based): chr2:178,577,871, T>A on the plus strand (A>T on the coding strand, the complement: TTN is on the minus strand). VCF-style: chr2-178577871-T-A. GRCh37 (hg19) VCF-style: chr2-179442598-T-A.
Other names: c.63632A>T, p.Asn21211Ile (NM_001256850.1); c.41360A>T, p.Asn13787Ile (NM_003319.4); c.60851A>T, p.Asn20284Ile (NM_133378.4); c.41735A>T, p.Asn13912Ile (NM_133432.3); c.41936A>T, p.Asn13979Ile (NM_133437.4); short protein forms N13787I, N13912I, N13979I, N20284I, N21211I, N22852I.
Identifiers: ClinVar variation 3235041 (VCV003235041.1), dbSNP rs879071102, ClinGen allele CA349671941.

ClinVar aggregate classification (germline): Uncertain significance (1 of 4 stars; one submission).

Conditions:
Autosomal recessive limb-girdle muscular dystrophy type 2J (LGMDR10). Also called: Limb-girdle muscular dystrophy, type 2J; MUSCULAR DYSTROPHY, LIMB-GIRDLE, AUTOSOMAL RECESSIVE 10. Identifiers: Orphanet 140922, MedGen C1837342, MONDO:0012127, OMIM 608807.

Submission:

Neuberg Centre For Genomic Medicine, NCGM
Classification: Uncertain significance for Autosomal recessive limb-girdle muscular dystrophy type 2J. Review status: criteria provided, single submitter. Criteria: ACMG Guidelines, 2015. Collection method: clinical testing. Allele origin: germline. Inheritance: Autosomal recessive inheritance. Affected: yes.
Comment: The missense variant c.68555A>Tp.Asn22852Ile in TTN gene has not been reported previously as a pathogenic variant nor as a benign variant, to our knowledge. The p.Asn22852Ile variant is novel not in any individuals in gnomAD Exomes and 1000 Genomes. This variant has not been reported to the ClinVar database. The amino acid change p.Asn22852Ile in TTN is predicted as conserved by GERP++ and PhyloP across 100 vertebrates. The amino acid Asn at position 22852 is changed to a Ile changing protein sequence and it might alter its composition and physico-chemical properties. For these reasons, this variant has been classified as Uncertain Significance VUS.